The following is an entry in ClinVar:

ClinVar aggregate classification (germline): Uncertain significance (1 of 4 stars; one submission).

Conditions:
Hereditary cancer-predisposing syndrome. Also called: Neoplastic Syndromes, Hereditary; Tumor predisposition; Hereditary neoplastic syndrome; Hereditary Cancer Syndrome. Identifiers: Orphanet 140162, MedGen C0027672, MeSH D009386, MONDO:0015356.
Cardiovascular phenotype. Identifiers: MedGen CN230736.

Allele frequency attached by ClinVar (database versions not stated): gnomAD exomes below 0.00001.
gnomAD v4.1: 1 of 1,614,138 alleles (0.000062%); highest among the groups gnomAD compares: Non-Finnish European, 0.000085%; no homozygotes.

Submission:

Ambry Genetics
Classification: Uncertain significance for Cardiovascular phenotype; Hereditary cancer-predisposing syndrome. Last evaluated: 2019-07-17. Review status: criteria provided, single submitter. Criteria: Ambry Variant Classification Scheme 2023. Collection method: clinical testing. Allele origin: germline.
Comment: The p.A2298S variant (also known as c.6892G>T), located in coding exon 46 of the NF1 gene, results from a G to T substitution at nucleotide position 6892. The alanine at codon 2298 is replaced by serine, an amino acid with similar properties. This amino acid position is highly conserved in available vertebrate species. In addition, the in silico prediction for this alteration is inconclusive. Since supporting evidence is limited at this time, the clinical significance of this alteration remains unclear.

NM_001042492.3(NF1):c.6955G>T (p.Ala2319Ser)

Gene: NF1 (neurofibromin 1; plus strand). Cytogenetic location: 17q11.2.
Variant type: single nucleotide variant.
Coding change: c.6955G>T on transcript NM_001042492.3 (MANE Select); coding-DNA position 6955, G replaced by T.
Protein change: p.Ala2319Ser; replaces alanine 2319 with serine.
Molecular consequence: missense variant.
Genome position (GRCh38, 1-based): chr17:31,340,538, G>T. VCF-style: chr17-31340538-G-T. GRCh37 (hg19) VCF-style: chr17-29667556-G-T.
Other names: c.6892G>T, p.Ala2298Ser (NM_000267.4); short protein forms A2298S, A2319S.
Identifiers: ClinVar variation 826685 (VCV000826685.4), dbSNP rs786203881, ClinGen allele CA399014912.